The following is an entry in ClinVar:

ClinVar aggregate classification (germline): Conflicting classifications of pathogenicity. Review status: criteria provided, conflicting classifications (1 of 4 stars). 11 submissions from 11 submitters: Uncertain significance (2); Benign (1); Likely benign (4). 4 of the submissions do not count toward it. Last evaluated 2026-01-06.

Conditions:
SYNE2-related disorder. Also called: SYNE2-related condition.
Emery-Dreifuss muscular dystrophy 5, autosomal dominant (EDMD5). Also called: EMERY-DREIFUSS MUSCULAR DYSTROPHY 5. Identifiers: Orphanet 261, MedGen C2751805, MONDO:0013072, OMIM 612999.

Allele frequency attached by ClinVar (database versions not stated): 1000 Genomes Project 0.00040; 1000 Genomes Project 30x 0.00047; TOPMed 0.00060; gnomAD 0.00062 and 0.00064; ESP Exome Variant Server 0.00067.
gnomAD v4.1: 1,154 of 1,614,134 alleles (0.071%); highest among the groups gnomAD compares: Non-Finnish European, 0.089%; 2 homozygotes.

Submissions (11):

Labcorp Genetics (formerly Invitae), Labcorp
Classification: Likely benign for Emery-Dreifuss muscular dystrophy 5, autosomal dominant. Last evaluated: 2026-01-06. Review status: criteria provided, single submitter. Criteria: Invitae Variant Classification Sherloc (09022015). Collection method: clinical testing. Allele origin: germline.

Blueprint Genetics
Classification: Likely benign. Last evaluated: 2024-09-21. Review status: criteria provided, single submitter. Criteria: ACMG Guidelines, 2015. Collection method: clinical testing. Allele origin: germline.

Revvity Omics, Revvity
Classification: Likely benign for Emery-Dreifuss muscular dystrophy 5, autosomal dominant. Last evaluated: 2024-05-07. Review status: criteria provided, single submitter. Criteria: ACMG Guidelines, 2015. Collection method: clinical testing. Allele origin: germline.

Ambry Genetics
Classification: Likely benign. Last evaluated: 2021-07-14. Review status: criteria provided, single submitter. Criteria: Ambry Variant Classification Scheme 2023. Collection method: clinical testing. Allele origin: germline.

Illumina Laboratory Services, Illumina
Classification: Benign for Emery-Dreifuss muscular dystrophy 5, autosomal dominant. Last evaluated: 2018-01-13. Review status: criteria provided, single submitter. Criteria: ICSL Variant Classification Criteria 13 December 2019. Collection method: clinical testing. Allele origin: germline.
Comment: This variant was observed in the ICSL laboratory as part of a predisposition screen in an ostensibly healthy population. It had not been previously curated by ICSL or reported in the Human Gene Mutation Database (HGMD: prior to June 1st, 2018), and was therefore a candidate for classification through an automated scoring system. Utilizing variant allele frequency, disease prevalence and penetrance estimates, and inheritance mode, an automated score was calculated to assess if this variant is too frequent to cause the disease. Based on the score and internal cut-off values, a variant classified as benign is not then subjected to further curation. The score for this variant resulted in a classification of benign for this disease.

Athena Diagnostics
Classification: Uncertain significance. Last evaluated: 2016-12-02. Review status: criteria provided, single submitter. Criteria: Athena Diagnostics Criteria. Collection method: clinical testing. Allele origin: germline.

Eurofins Ntd Llc (ga)
Classification: Uncertain significance. Last evaluated: 2015-12-17. Review status: criteria provided, single submitter. Criteria: EGL Classification Definitions 2015. Collection method: clinical testing. Allele origin: germline. Observed: 4 variant alleles, 4 heterozygotes.

PreventionGenetics, part of Exact Sciences
Classification: Likely benign for SYNE2-related condition. Last evaluated: 2023-06-02. Review status: no assertion criteria provided. Collection method: clinical testing. Allele origin: germline. Not counted in ClinVar's aggregate classification.
Comment: This variant is classified as likely benign based on ACMG/AMP sequence variant interpretation guidelines (Richards et al. 2015 PMID: 25741868, with internal and published modifications).

Clinical Genetics DNA and cytogenetics Diagnostics Lab, Erasmus MC, Erasmus Medical Center
Classification: Likely benign. Review status: no assertion criteria provided. Collection method: clinical testing. Allele origin: germline. Affected: yes. Study: VKGL Data-share Consensus. Not counted in ClinVar's aggregate classification.

Genome Diagnostics Laboratory, University Medical Center Utrecht
Classification: Likely benign. Review status: no assertion criteria provided. Collection method: clinical testing. Allele origin: germline. Affected: yes. Study: VKGL Data-share Consensus. Not counted in ClinVar's aggregate classification.

Joint Genome Diagnostic Labs from Nijmegen and Maastricht, Radboudumc and MUMC+
Classification: Likely benign. Review status: no assertion criteria provided. Collection method: clinical testing. Allele origin: germline. Affected: yes. Study: VKGL Data-share Consensus. Not counted in ClinVar's aggregate classification.

NM_182914.3(SYNE2):c.4178G>A (p.Arg1393Gln)

Gene: SYNE2 (spectrin repeat containing nuclear envelope protein 2; plus strand). Cytogenetic location: 14q23.2.
Variant type: single nucleotide variant.
Coding change: c.4178G>A on transcript NM_182914.3 (MANE Select); coding-DNA position 4178, G replaced by A.
Protein change: p.Arg1393Gln; replaces arginine 1393 with glutamine.
Molecular consequence: missense variant.
Genome position (GRCh38, 1-based): chr14:64,003,111, G>A. VCF-style: chr14-64003111-G-A. GRCh37 (hg19) VCF-style: chr14-64469829-G-A.
Other names: c.4178G>A, p.Arg1393Gln (NM_015180.6); short protein forms R1393Q.
Identifiers: ClinVar variation 283207 (VCV000283207.27), dbSNP rs117647282, ClinGen allele CA7220147.